The following is an entry in ClinVar:

ClinVar aggregate classification (germline): Benign. Review status: criteria provided, single submitter (1 of 4 stars). 2 submissions from 2 submitters: Benign (1). 1 of the submissions does not count toward it. Last evaluated 2025-06-24.

Conditions:
CCDC115-related disorder. Also called: CCDC115-related condition.

Allele frequency attached by ClinVar (database versions not stated): gnomAD 0.00004 and 0.00005; TOPMed 0.00007; gnomAD exomes 0.00019 and 0.00004; 1000 Genomes Project 0.00020; ExAC 0.00019; 1000 Genomes Project 30x 0.00016.
gnomAD v4.1: 81 of 1,610,578 alleles (0.005%); highest among the groups gnomAD compares: East Asian, 0.087%; no homozygotes.

Submissions (2):

Labcorp Genetics (formerly Invitae), Labcorp
Classification: Benign. Last evaluated: 2025-06-24. Review status: criteria provided, single submitter. Criteria: Invitae Variant Classification Sherloc (09022015). Collection method: clinical testing. Allele origin: germline.

PreventionGenetics, part of Exact Sciences
Classification: Likely benign for CCDC115-related condition. Last evaluated: 2019-09-26. Review status: no assertion criteria provided. Collection method: clinical testing. Allele origin: germline. Not counted in ClinVar's aggregate classification.
Comment: This variant is classified as likely benign based on ACMG/AMP sequence variant interpretation guidelines (Richards et al. 2015 PMID: 25741868, with internal and published modifications).

NM_032357.4(VMA22):c.216-9G>A

Gene: VMA22 (vacuolar ATPase assembly factor VMA22; minus strand). Cytogenetic location: 2q21.1.
Variant type: single nucleotide variant.
Coding change: c.216-9G>A on transcript NM_032357.4 (MANE Select); 9 bases into the intron before coding-DNA position 216, G replaced by A.
Molecular consequence: intron variant.
Genome position (GRCh38, 1-based): chr2:130,341,758, C>T on the plus strand (G>A on the coding strand, the complement: VMA22 is on the minus strand). VCF-style: chr2-130341758-C-T. GRCh37 (hg19) VCF-style: chr2-131099331-C-T.
Other names: c.216-9G>A (NM_032357.3); c.201-9G>A (NM_001321118.1); c.192-9G>A (NM_001321119.2).
Identifiers: ClinVar variation 1559277 (VCV001559277.10), dbSNP rs536399900, ClinGen allele CA1871307.